The following is an entry in ClinVar:

NM_000548.5(TSC2):c.2743-4C>T

Gene: TSC2 (TSC complex subunit 2; plus strand). Cytogenetic location: 16p13.3.
Variant type: single nucleotide variant.
Coding change: c.2743-4C>T on transcript NM_000548.5 (MANE Select); 4 bases into the intron before coding-DNA position 2743, C replaced by T.
Molecular consequence: intron variant.
Genome position (GRCh38, 1-based): chr16:2,076,487, C>T. VCF-style: chr16-2076487-C-T. GRCh37 (hg19) VCF-style: chr16-2126488-C-T.
Other names: c.2743-4C>T (NM_001114382.3, NM_021055.3, NM_001370405.1 and 3 more transcripts); c.2632-4C>T (NM_001318827.2); c.2143-4C>T (NM_001318831.2); c.2596-4C>T (NM_001318829.2); c.2776-4C>T (NM_001318832.2).
Identifiers: ClinVar variation 467962 (VCV000467962.23), dbSNP rs1258692002, ClinGen allele CA658658381.

ClinVar aggregate classification (germline): Likely benign. Review status: criteria provided, multiple submitters, no conflicts (2 of 4 stars). 6 submissions from 6 submitters: Likely benign (6). Last evaluated 2025-10-29.

Conditions:
Hereditary cancer-predisposing syndrome. Also called: Hereditary neoplastic syndrome; Neoplastic Syndromes, Hereditary; Tumor predisposition; Hereditary Cancer Syndrome. Identifiers: Orphanet 140162, MedGen C0027672, MeSH D009386, MONDO:0015356.
Tuberous sclerosis 2 (TSC2). Identifiers: Orphanet 805, MedGen C1860707, MONDO:0013199, OMIM 613254.

Allele frequency attached by ClinVar (database versions not stated): gnomAD exomes below 0.00001; TOPMed below 0.00001; gnomAD 0.00001.
gnomAD v4.1: 4 of 1,613,230 alleles (0.00025%); highest among the groups gnomAD compares: Non-Finnish European, 0.00034%; no homozygotes.

Submissions (6):

Labcorp Genetics (formerly Invitae), Labcorp
Classification: Likely benign for Tuberous sclerosis 2. Last evaluated: 2025-10-29. Review status: criteria provided, single submitter. Criteria: Invitae Variant Classification Sherloc (09022015). Collection method: clinical testing. Allele origin: germline.

Ambry Genetics
Classification: Likely benign for Hereditary cancer-predisposing syndrome. Last evaluated: 2025-10-09. Review status: criteria provided, single submitter. Criteria: Ambry Variant Classification Scheme 2023. Collection method: clinical testing. Allele origin: germline.

Myriad Genetics, Inc.
Classification: Likely benign for Tuberous sclerosis 2. Last evaluated: 2025-05-22. Review status: criteria provided, single submitter. Criteria: Myriad Autosomal Dominant, Autosomal Recessive and X-Linked Classification Criteria (2023). Collection method: clinical testing. Allele origin: unknown.
Comment: This variant is considered likely benign. This variant is intronic and is not expected to impact mRNA splicing.

Genome-Nilou Lab
Classification: Likely benign for Tuberous sclerosis 2. Last evaluated: 2021-11-07. Review status: criteria provided, single submitter. Criteria: ACMG Guidelines, 2015. Collection method: clinical testing. Allele origin: germline. Affected: no.

Sema4
Classification: Likely benign for Hereditary cancer-predisposing syndrome. Last evaluated: 2020-11-29. Review status: criteria provided, single submitter. Criteria: Sema4 Curation Guidelines. Collection method: curation. Allele origin: germline.

GeneDx
Classification: Likely benign. Last evaluated: 2019-12-24. Review status: criteria provided, single submitter. Criteria: GeneDx Variant Classification Process June 2021. Collection method: clinical testing. Allele origin: germline. Affected: yes.